The following is an entry in ClinVar:

NM_014159.7(SETD2):c.4481T>C (p.Ile1494Thr)

Gene: SETD2 (SET domain containing 2, histone lysine methyltransferase; minus strand). Cytogenetic location: 3p21.31.
Variant type: single nucleotide variant.
Coding change: c.4481T>C on transcript NM_014159.7 (MANE Select); coding-DNA position 4481, T replaced by C.
Protein change: p.Ile1494Thr; replaces isoleucine 1494 with threonine.
Molecular consequence: missense variant. On other transcripts: non-coding transcript variant (1).
Genome position (GRCh38, 1-based): chr3:47,116,728, A>G on the plus strand (T>C on the coding strand, the complement: SETD2 is on the minus strand). VCF-style: chr3-47116728-A-G. GRCh37 (hg19) VCF-style: chr3-47158218-A-G.
Other names: p.Ile1494Thr; c.4349T>C, p.Ile1450Thr (NM_001349370.3); short protein forms I1450T, I1494T.
Identifiers: ClinVar variation 3379462 (VCV003379462.2).

ClinVar aggregate classification (germline): Uncertain significance. Review status: criteria provided, multiple submitters, no conflicts (2 of 4 stars). 2 submissions from 2 submitters: Uncertain significance (2). Last evaluated 2026-05-20.

Conditions:
Inborn genetic diseases. Identifiers: MedGen C0950123, MeSH D030342.

gnomAD v4.1: 4 of 1,603,996 alleles (0.00025%); highest among the groups gnomAD compares: African/African-American, 0.0013%; no homozygotes.

Submissions (2):

Ambry Genetics
Classification: Uncertain significance for Inborn genetic diseases. Last evaluated: 2026-05-20. Review status: criteria provided, single submitter. Criteria: Ambry Variant Classification Scheme 2023. Collection method: clinical testing. Allele origin: germline.

Mayo Clinic Laboratories, Mayo Clinic
Classification: Uncertain significance. Last evaluated: 2023-06-30. Review status: criteria provided, single submitter. Criteria: ACMG Guidelines, 2015. Collection method: clinical testing. Allele origin: germline. Observed: 1 variant allele.
Comment: PM2_moderate